The following is an entry in ClinVar:

ClinVar aggregate classification (germline): Conflicting classifications of pathogenicity. Review status: criteria provided, conflicting classifications (1 of 4 stars). 4 submissions from 4 submitters: Uncertain significance (1); Likely benign (1). 2 of the submissions do not count toward it. Last evaluated 2018-01-12.

Conditions:
Autosomal recessive limb-girdle muscular dystrophy type 2F (LGMDR6). Also called: MUSCULAR DYSTROPHY, LIMB-GIRDLE, AUTOSOMAL RECESSIVE 6; Muscular dystrophy limb-girdle with delta-sarcoglyan deficiency. Identifiers: Orphanet 219, MedGen C1832525, MONDO:0011028, OMIM 601287. Disease mechanism: Affects gamma-sarcoglycan and also disrupts the integrity of the entire sarcoglycan complex..
Dilated cardiomyopathy 1L (CMD1L). Identifiers: Orphanet 154, MedGen C1847667, MONDO:0011702, OMIM 606685.
Qualitative or quantitative defects of delta-sarcoglycan. Identifiers: Orphanet 207070, MedGen C5680806, MONDO:0016144.

Allele frequency attached by ClinVar (database versions not stated): gnomAD 0.00006 and 0.00007; TOPMed 0.00008; 1000 Genomes Project 30x 0.00016; 1000 Genomes Project 0.00020.

Submissions (4):

Illumina Laboratory Services, Illumina
Classification: Uncertain significance for Qualitative or quantitative defects of delta-sarcoglycan. Last evaluated: 2018-01-12. Review status: criteria provided, single submitter. Criteria: ICSL Variant Classification Criteria 13 December 2019. Collection method: clinical testing. Allele origin: germline.

GeneDx
Classification: Likely benign. Last evaluated: 2016-11-11. Review status: criteria provided, single submitter. Criteria: GeneDx Variant Classification (06012015). Collection method: clinical testing. Allele origin: germline. Affected: yes.
Comment: This variant is considered likely benign or benign based on one or more of the following criteria: it is a conservative change, it occurs at a poorly conserved position in the protein, it is predicted to be benign by multiple in silico algorithms, and/or has population frequency not consistent with disease.

Counsyl
Classification: Uncertain significance for Dilated cardiomyopathy 1L; Autosomal recessive limb-girdle muscular dystrophy type 2F. Last evaluated: 2017-03-22. Review status: no assertion criteria provided. Collection method: clinical testing. Allele origin: unknown. Not counted in ClinVar's aggregate classification.

Laboratory for Molecular Medicine, Mass General Brigham Personalized Medicine
No classification provided. Last evaluated: 2013-08-22. Review status: no classification provided. Collection method: clinical testing. Allele origin: germline. Observed: 1 variant allele. Not counted in ClinVar's aggregate classification.

NM_000337.6(SGCD):c.-44+11G>A

Gene: SGCD (sarcoglycan delta; plus strand). Cytogenetic location: 5q33.3.
Variant type: single nucleotide variant.
Coding change: c.-44+11G>A on transcript NM_000337.6 (MANE Select); 11 bases into the intron after 44 bases upstream of the start codon, G replaced by A.
Molecular consequence: intron variant.
Genome position (GRCh38, 1-based): chr5:156,327,243, G>A. VCF-style: chr5-156327243-G-A. GRCh37 (hg19) VCF-style: chr5-155754253-G-A.
Other names: c.-1+11G>A (NM_001128209.2); c.-44+11G>A (NM_172244.3).
Identifiers: ClinVar variation 179031 (VCV000179031.9), dbSNP rs184722381, ClinGen allele CA183561.